The following is an entry in ClinVar:

ClinVar aggregate classification (germline): Conflicting classifications of pathogenicity. Review status: criteria provided, conflicting classifications (1 of 4 stars). 2 submissions from 2 submitters: Uncertain significance (1); Likely benign (1). Last evaluated 2024-12-22.

Conditions:
Hereditary cancer-predisposing syndrome. Also called: Neoplastic Syndromes, Hereditary; Hereditary neoplastic syndrome; Tumor predisposition; Hereditary Cancer Syndrome. Identifiers: Orphanet 140162, MedGen C0027672, MeSH D009386, MONDO:0015356.
Neuroblastoma, susceptibility to, 3. Also called: ALK-Related Neuroblastic Tumor Susceptibility. Identifiers: Orphanet 635, MedGen C2751681, MONDO:0013083, OMIM 613014.

gnomAD v4.1: 2 of 1,614,118 alleles (0.00012%); highest among the groups gnomAD compares: African/African-American, 0.0027%; no homozygotes.

Submissions (2):

Ambry Genetics
Classification: Likely benign for Hereditary cancer-predisposing syndrome. Last evaluated: 2024-12-22. Review status: criteria provided, single submitter. Criteria: Ambry Variant Classification Scheme 2023. Collection method: clinical testing. Allele origin: germline.

Labcorp Genetics (formerly Invitae), Labcorp
Classification: Uncertain significance for Neuroblastoma, susceptibility to, 3. Last evaluated: 2024-03-06. Review status: criteria provided, single submitter. Criteria: Invitae Variant Classification Sherloc (09022015). Collection method: clinical testing. Allele origin: germline.
Comment: This sequence change replaces isoleucine, which is neutral and non-polar, with valine, which is neutral and non-polar, at codon 644 of the ALK protein (p.Ile644Val). This variant is not present in population databases (gnomAD no frequency). This variant has not been reported in the literature in individuals affected with ALK-related conditions. Algorithms developed to predict the effect of missense changes on protein structure and function output the following: SIFT: "Not Available"; PolyPhen-2: "Benign"; Align-GVGD: "Not Available". The valine amino acid residue is found in multiple mammalian species, which suggests that this missense change does not adversely affect protein function. In summary, the available evidence is currently insufficient to determine the role of this variant in disease. Therefore, it has been classified as a Variant of Uncertain Significance.

NM_004304.5(ALK):c.1930A>G (p.Ile644Val)

Gene: ALK (ALK receptor tyrosine kinase; minus strand). Cytogenetic location: 2p23.2.
Variant type: single nucleotide variant.
Coding change: c.1930A>G on transcript NM_004304.5 (MANE Select); coding-DNA position 1930, A replaced by G.
Protein change: p.Ile644Val; replaces isoleucine 644 with valine.
Molecular consequence: missense variant.
Genome position (GRCh38, 1-based): chr2:29,275,210, T>C on the plus strand (A>G on the coding strand, the complement: ALK is on the minus strand). VCF-style: chr2-29275210-T-C. GRCh37 (hg19) VCF-style: chr2-29498076-T-C.
Other names: short protein forms I644V.
Identifiers: ClinVar variation 3285422 (VCV003285422.4).